The following is an entry in ClinVar:

ClinVar aggregate classification (germline): Uncertain significance (1 of 4 stars; one submission).

Conditions:
Vitamin B2 deficiency. Identifiers: MedGen C0035528.

Allele frequency attached by ClinVar (database versions not stated): gnomAD exomes 0.00002; TOPMed 0.00002; gnomAD 0.00003; ExAC 0.00004; 1000 Genomes Project 0.00020; 1000 Genomes Project 30x 0.00031.

Submission:

Labcorp Genetics (formerly Invitae), Labcorp
Classification: Uncertain significance for Vitamin B2 deficiency. Last evaluated: 2025-10-17. Review status: criteria provided, single submitter. Criteria: Invitae Variant Classification Sherloc (09022015). Collection method: clinical testing. Allele origin: germline.
Comment: This sequence change replaces threonine, which is neutral and polar, with serine, which is neutral and polar, at codon 430 of the SLC52A1 protein (p.Thr430Ser). This variant is present in population databases (rs568958678, gnomAD 0.05%). This variant has not been reported in the literature in individuals affected with SLC52A1-related conditions. ClinVar contains an entry for this variant (Variation ID: 2145604). An algorithm developed to predict the effect of missense changes on protein structure and function (PolyPhen-2) suggests that this variant is likely to be tolerated. In summary, the available evidence is currently insufficient to determine the role of this variant in disease. Therefore, it has been classified as a Variant of Uncertain Significance.

NM_017986.4(SLC52A1):c.1289C>G (p.Thr430Ser)

Gene: SLC52A1 (solute carrier family 52 member 1; minus strand). Cytogenetic location: 17p13.2.
Variant type: single nucleotide variant.
Coding change: c.1289C>G on transcript NM_017986.4 (MANE Select); coding-DNA position 1289, C replaced by G.
Protein change: p.Thr430Ser; replaces threonine 430 with serine.
Molecular consequence: missense variant.
Genome position (GRCh38, 1-based): chr17:5,033,015, G>C on the plus strand (C>G on the coding strand, the complement: SLC52A1 is on the minus strand). VCF-style: chr17-5033015-G-C. GRCh37 (hg19) VCF-style: chr17-4936310-G-C.
Other names: c.1289C>G, p.Thr430Ser (NM_001104577.2); short protein forms T430S.
Identifiers: ClinVar variation 2145604 (VCV002145604.4), dbSNP rs568958678, ClinGen allele CA8319574.